The following is an entry in ClinVar:

ClinVar aggregate classification (germline): Uncertain significance (1 of 4 stars; one submission).

Allele frequency attached by ClinVar (database versions not stated): TOPMed below 0.00001; gnomAD 0.00001.
gnomAD v4.1: 4 of 1,550,096 alleles (0.00026%); highest among the groups gnomAD compares: East Asian, 0.0024%; no homozygotes.

Submission:

Labcorp Genetics (formerly Invitae), Labcorp
Classification: Uncertain significance. Last evaluated: 2021-04-28. Review status: criteria provided, single submitter. Criteria: Invitae Variant Classification Sherloc (09022015). Collection method: clinical testing. Allele origin: germline.
Comment: In summary, the available evidence is currently insufficient to determine the role of this variant in disease. Therefore, it has been classified as a Variant of Uncertain Significance. Algorithms developed to predict the effect of sequence changes on RNA splicing suggest that this variant may create or strengthen a splice site, but this prediction has not been confirmed by published transcriptional studies. Algorithms developed to predict the effect of missense changes on protein structure and function (SIFT, PolyPhen-2, Align-GVGD) all suggest that this variant is likely to be tolerated, but these predictions have not been confirmed by published functional studies and their clinical significance is uncertain. This variant has not been reported in the literature in individuals with SLC25A1-related conditions. This variant is not present in population databases (ExAC no frequency). This sequence change replaces isoleucine with valine at codon 40 of the SLC25A1 protein (p.Ile40Val). The isoleucine residue is highly conserved and there is a small physicochemical difference between isoleucine and valine.

NM_005984.5(SLC25A1):c.118A>G (p.Ile40Val)

Gene: SLC25A1 (solute carrier family 25 member 1; minus strand). Cytogenetic location: 22q11.21.
Variant type: single nucleotide variant.
Coding change: c.118A>G on transcript NM_005984.5 (MANE Select); coding-DNA position 118, A replaced by G.
Protein change: p.Ile40Val; replaces isoleucine 40 with valine.
Molecular consequence: missense variant. On other transcripts: 5 prime UTR variant (1), non-coding transcript variant (1).
Genome position (GRCh38, 1-based): chr22:19,178,217, T>C on the plus strand (A>G on the coding strand, the complement: SLC25A1 is on the minus strand). VCF-style: chr22-19178217-T-C. GRCh37 (hg19) VCF-style: chr22-19165730-T-C.
Other names: c.139A>G, p.Ile47Val (NM_001256534.2); c.-192A>G (NM_001287387.2); short protein forms I47V, I40V.
Identifiers: ClinVar variation 1349819 (VCV001349819.8), dbSNP rs2084001496, ClinGen allele CA410643377.